The following is an entry in ClinVar:

NM_003500.4(ACOX2):c.29T>C (p.Leu10Ser)

Gene: ACOX2 (acyl-CoA oxidase 2; minus strand). Cytogenetic location: 3p14.3.
Variant type: single nucleotide variant.
Coding change: c.29T>C on transcript NM_003500.4 (MANE Select); coding-DNA position 29, T replaced by C.
Protein change: p.Leu10Ser; replaces leucine 10 with serine.
Molecular consequence: missense variant.
Genome position (GRCh38, 1-based): chr3:58,535,078, A>G on the plus strand (T>C on the coding strand, the complement: ACOX2 is on the minus strand). VCF-style: chr3-58535078-A-G. GRCh37 (hg19) VCF-style: chr3-58520805-A-G.
Other names: short protein forms L10S.
Identifiers: ClinVar variation 2695634 (VCV002695634.3), dbSNP rs2471483504, ClinGen allele CA353373600.

ClinVar aggregate classification (germline): Uncertain significance (1 of 4 stars; one submission).

Submission:

Labcorp Genetics (formerly Invitae), Labcorp
Classification: Uncertain significance. Last evaluated: 2024-02-22. Review status: criteria provided, single submitter. Criteria: Invitae Variant Classification Sherloc (09022015). Collection method: clinical testing. Allele origin: germline.
Comment: This sequence change replaces leucine, which is neutral and non-polar, with serine, which is neutral and polar, at codon 10 of the ACOX2 protein (p.Leu10Ser). This variant is not present in population databases (gnomAD no frequency). This variant has not been reported in the literature in individuals affected with ACOX2-related conditions. An algorithm developed to predict the effect of missense changes on protein structure and function (PolyPhen-2) suggests that this variant is likely to be tolerated. In summary, the available evidence is currently insufficient to determine the role of this variant in disease. Therefore, it has been classified as a Variant of Uncertain Significance.